The following is an entry in ClinVar:

NM_002386.4(MC1R):c.122C>A (p.Ser41Tyr)

Gene: MC1R (melanocortin 1 receptor; plus strand). Cytogenetic location: 16q24.3.
Variant type: single nucleotide variant.
Coding change: c.122C>A on transcript NM_002386.4 (MANE Select); coding-DNA position 122, C replaced by A.
Protein change: p.Ser41Tyr; replaces serine 41 with tyrosine.
Molecular consequence: missense variant.
Genome position (GRCh38, 1-based): chr16:89,919,380, C>A. VCF-style: chr16-89919380-C-A. GRCh37 (hg19) VCF-style: chr16-89985788-C-A.
Other names: short protein forms S41Y.
Identifiers: ClinVar variation 2884798 (VCV002884798.3), dbSNP rs369674161, ClinGen allele CA8255492.
Genomic context (GRCh38, chr16:89,919,380, plus strand): 5'-TCCCCCAGCTGGGGCTGGCTGCCAACCAGACAGGAGCCCGGTGCCTGGAGGTGTCCATCT[C>A]TGACGGGCTCTTCCTCAGCCTGGGGCTGGTGAGCTTGGTGGAGAACGCGCTGGTGGTGGC-3'
Protein context (NP_002377.4, residues 31-51): TGARCLEVSI[Ser41Tyr]DGLFLSLGLV

ClinVar aggregate classification (germline): Uncertain significance (1 of 4 stars; one submission).

Conditions:
Melanoma, cutaneous malignant, susceptibility to, 5. Also called: Cutaneous malignant melanoma 5. Identifiers: Orphanet 618, MedGen C2751295, MONDO:0013133, OMIM 613099.

gnomAD v4.1: 6 of 1,613,330 alleles (0.00037%); highest among the groups gnomAD compares: Non-Finnish European, 0.00051%; no homozygotes.

Submission:

Labcorp Genetics (formerly Invitae), Labcorp
Classification: Uncertain significance for Melanoma, cutaneous malignant, susceptibility to, 5. Last evaluated: 2023-06-04. Review status: criteria provided, single submitter. Criteria: Invitae Variant Classification Sherloc (09022015). Collection method: clinical testing. Allele origin: germline.
Comment: In summary, the available evidence is currently insufficient to determine the role of this variant in disease. Therefore, it has been classified as a Variant of Uncertain Significance. Advanced modeling of protein sequence and biophysical properties (such as structural, functional, and spatial information, amino acid conservation, physicochemical variation, residue mobility, and thermodynamic stability) performed at Invitae indicates that this missense variant is not expected to disrupt MC1R protein function. This variant has not been reported in the literature in individuals affected with MC1R-related conditions. This variant is present in population databases (rs369674161, gnomAD 0.0009%). This sequence change replaces serine, which is neutral and polar, with tyrosine, which is neutral and polar, at codon 41 of the MC1R protein (p.Ser41Tyr).